The following is an entry in ClinVar:

NM_018133.4(MSL2):c.366A>G (p.Ala122=)

Gene: MSL2 (MSL complex subunit 2; minus strand). Cytogenetic location: 3q22.3.
Variant type: single nucleotide variant.
Coding change: c.366A>G on transcript NM_018133.4 (MANE Select); coding-DNA position 366, A replaced by G.
Protein change: p.Ala122=; no amino-acid change (alanine 122 retained).
Molecular consequence: synonymous variant.
Genome position (GRCh38, 1-based): chr3:136,152,515, T>C on the plus strand (A>G on the coding strand, the complement: MSL2 is on the minus strand). VCF-style: chr3-136152515-T-C. GRCh37 (hg19) VCF-style: chr3-135871357-T-C.
Other names: c.144A>G, p.Ala48= (NM_001145417.2).
Identifiers: ClinVar variation 5038537 (VCV005038537.1).

ClinVar aggregate classification (germline): Likely benign (1 of 4 stars; one submission).

gnomAD v4.1: 370 of 1,614,234 alleles (0.023%); highest among the groups gnomAD compares: Middle Eastern, 0.2%; 1 homozygote.

Submission:

CeGaT Center for Human Genetics Tuebingen
Classification: Likely benign. Last evaluated: 2026-07-01. Review status: criteria provided, single submitter. Criteria: CeGaT Center For Human Genetics Tuebingen Variant Classification Criteria Version 2. Collection method: clinical testing. Allele origin: germline. Affected: yes. Observed: 1 variant allele.
Comment: MSL2: BP4, BP7